The following is an entry in ClinVar:

NC_000015.10:g.22609499G>A

Variant type: single nucleotide variant.
Genome position: GRCh38 VCF-style: chr15-22609499-G-A. GRCh37 (hg19) VCF-style: chr15-23263597-C-T.
Identifiers: ClinVar variation 2644957 (VCV002644957.24), dbSNP rs561052595, ClinGen allele CA7426697.

ClinVar aggregate classification (germline): Likely benign (1 of 4 stars; one submission).

Submission:

CeGaT Center for Human Genetics Tuebingen
Classification: Likely benign. Last evaluated: 2023-02-01. Review status: criteria provided, single submitter. Criteria: CeGaT Center For Human Genetics Tuebingen Variant Classification Criteria Version 2. Collection method: clinical testing. Allele origin: germline. Affected: yes. Observed: 1 variant allele.
Comment: GOLGA8IP: BP4, BP7, BS2